The following is an entry in ClinVar:

NM_000492.4(CFTR):c.3736del (p.Thr1246fs)

Genes: CFTR (CF transmembrane conductance regulator; plus strand), CFTR-AS2 (CFTR antisense RNA 2; minus strand). Cytogenetic location: 7q31.2.
Variant type: Deletion.
Coding change: c.3736del on transcript NM_000492.4 (MANE Select); coding-DNA position 3736, one base deleted (A; older notation c.3736delA).
Protein change: p.Thr1246fs; shifts the reading frame from threonine 1246.
Molecular consequence: frameshift variant.
Genome position (GRCh38, 1-based): chr7:117,642,456, A deleted; the last of 2 consecutive A bases (chr7:117,642,455-117,642,456); deleting either gives the same sequence. VCF-style (leftmost placement, unchanged base first): chr7-117642454-GA-G. GRCh37 (hg19) VCF-style: chr7-117282508-GA-G.
Other names: short protein forms T1246fs.
Identifiers: ClinVar variation 1387407 (VCV001387407.6), dbSNP rs2116166758, ClinGen allele CA2573141566.

ClinVar aggregate classification (germline): Pathogenic (1 of 4 stars; one submission).

Conditions:
Cystic fibrosis (CF). Also called: MUCOVISCIDOSIS. Identifiers: Orphanet 586, MedGen C0010674, MONDO:0009061, OMIM 219700. Disease mechanism: loss of function.

Submission:

Labcorp Genetics (formerly Invitae), Labcorp
Classification: Pathogenic for Cystic fibrosis. Last evaluated: 2021-06-27. Review status: criteria provided, single submitter. Criteria: Invitae Variant Classification Sherloc (09022015). Collection method: clinical testing. Allele origin: germline.
Comment: For these reasons, this variant has been classified as Pathogenic. This variant has not been reported in the literature in individuals with CFTR-related conditions. This variant is not present in population databases (ExAC no frequency). This sequence change creates a premature translational stop signal (p.Thr1246Leufs*13) in the CFTR gene. It is expected to result in an absent or disrupted protein product. Loss-of-function variants in CFTR are known to be pathogenic (PMID: 1695717, 7691345, 9725922).

Literature cited by the submitters: PubMed 1695717; PubMed 7691345; PubMed 9725922.